The following is an entry in ClinVar:

ClinVar aggregate classification (germline): Likely benign. Review status: criteria provided, multiple submitters, no conflicts (2 of 4 stars). 3 submissions from 3 submitters: Likely benign (3). Last evaluated 2025-12-01.

Conditions:
Neuropathy, hereditary sensory and autonomic, type 2A (HSAN2A). Also called: HSAN IIA; ACROOSTEOLYSIS, GIACCAI TYPE; ACROOSTEOLYSIS, NEUROGENIC; MORVAN DISEASE; NEUROPATHY, CONGENITAL SENSORY; NEUROPATHY, HEREDITARY SENSORY RADICULAR, AUTOSOMAL RECESSIVE. Identifiers: Orphanet 970, MedGen C2752089, MONDO:0024309, OMIM 201300.
Generalized epilepsy with febrile seizures plus, type 7 (GEFSP7). Also called: GEFS+, TYPE 7. Identifiers: Orphanet 36387, MedGen C2751778, MONDO:0013470, OMIM 613863.
Inborn genetic diseases. Identifiers: MedGen C0950123, MeSH D030342.

Allele frequency attached by ClinVar (database versions not stated): gnomAD exomes 0.00001; TOPMed 0.00002; ExAC 0.00003; gnomAD 0.00003.
gnomAD v4.1: 22 of 1,564,406 alleles (0.0014%); highest among the groups gnomAD compares: Non-Finnish European, 0.0019%; no homozygotes.

Submissions (3):

Labcorp Genetics (formerly Invitae), Labcorp
Classification: Likely benign for Neuropathy, hereditary sensory and autonomic, type 2A; Generalized epilepsy with febrile seizures plus, type 7. Last evaluated: 2025-12-01. Review status: criteria provided, single submitter. Criteria: Invitae Variant Classification Sherloc (09022015). Collection method: clinical testing. Allele origin: germline.

Ambry Genetics
Classification: Likely benign for Inborn genetic diseases. Last evaluated: 2019-07-11. Review status: criteria provided, single submitter. Criteria: Ambry Variant Classification Scheme 2023. Collection method: clinical testing. Allele origin: germline.

GeneDx
Classification: Likely benign. Last evaluated: 2016-08-23. Review status: criteria provided, single submitter. Criteria: GeneDx Variant Classification (06012015). Collection method: clinical testing. Allele origin: germline. Affected: yes.
Comment: This variant is considered likely benign or benign based on one or more of the following criteria: it is a conservative change, it occurs at a poorly conserved position in the protein, it is predicted to be benign by multiple in silico algorithms, and/or has population frequency not consistent with disease.

NM_001365536.1(SCN9A):c.3540C>T (p.Asn1180=)

Genes: SCN1A-AS1 (SCN1A and SCN9A antisense RNA 1; plus strand), SCN9A (sodium voltage-gated channel alpha subunit 9; minus strand). Cytogenetic location: 2q24.3.
Variant type: single nucleotide variant.
Coding change: c.3540C>T on transcript NM_001365536.1 (MANE Select); coding-DNA position 3540, C replaced by T.
Protein change: p.Asn1180=; no amino-acid change (asparagine 1180 retained).
Molecular consequence: synonymous variant.
Genome position (GRCh38, 1-based): chr2:166,242,589, G>A on the plus strand (C>T on the coding strand, the complement: SCN9A is on the minus strand). VCF-style: chr2-166242589-G-A. GRCh37 (hg19) VCF-style: chr2-167099099-G-A.
Other names: c.3507C>T, p.Asn1169= (NM_002977.4).
Identifiers: ClinVar variation 388862 (VCV000388862.12), dbSNP rs766241126, ClinGen allele CA1944033.